The following is an entry in ClinVar:

NM_000368.5(TSC1):c.2259T>C (p.Ser753=)

Gene: TSC1 (TSC complex subunit 1; minus strand). Cytogenetic location: 9q34.13.
Variant type: single nucleotide variant.
Coding change: c.2259T>C on transcript NM_000368.5 (MANE Select); coding-DNA position 2259, T replaced by C.
Protein change: p.Ser753=; no amino-acid change (serine 753 retained).
Molecular consequence: synonymous variant. On other transcripts: non-coding transcript variant (5).
Genome position (GRCh38, 1-based): chr9:132,902,737, A>G on the plus strand (T>C on the coding strand, the complement: TSC1 is on the minus strand). VCF-style: chr9-132902737-A-G. GRCh37 (hg19) VCF-style: chr9-135778124-A-G.
Other names: c.2256T>C, p.Ser752= (NM_001162426.2, NM_001406597.1, NM_001406598.1 and 4 more transcripts); c.2106T>C, p.Ser702= (NM_001162427.2, NM_001406610.1); c.1896T>C, p.Ser632= (NM_001362177.2, NM_001406614.1, NM_001406615.1 and 5 more transcripts); c.2259T>C, p.Ser753= (NM_001406592.1, NM_001406593.1, NM_001406594.1 and 5 more transcripts); c.2244T>C, p.Ser748= (NM_001406601.1, NM_001406602.1); c.2241T>C, p.Ser747= (NM_001406603.1, NM_001406604.1); c.2103T>C, p.Ser701= (NM_001406611.1, NM_001406612.1, NM_001406613.1); c.1893T>C, p.Ser631= (NM_001406620.1, NM_001406621.1, NM_001406622.1 and 2 more transcripts); and 3 more.
Identifiers: ClinVar variation 3386143 (VCV003386143.1).

ClinVar aggregate classification (germline): Likely benign (1 of 4 stars; one submission).

Conditions:
Tuberous sclerosis syndrome (TSC). Also called: Tuberous Sclerosis Complex; Tuberous sclerosis. Identifiers: Orphanet 805, MedGen C0041341, MONDO:0001734.

Submission:

All of Us Research Program, National Institutes of Health
Classification: Likely benign for Tuberous sclerosis syndrome. Last evaluated: 2024-04-25. Review status: criteria provided, single submitter. Criteria: ACMG Guidelines, 2015. Collection method: clinical testing. Allele origin: germline. Inheritance: Autosomal dominant inheritance. Observed: 1 variant allele, 1 heterozygote.
Comment: This study involves interpretation of variants in research participants for the purpose of population health screening. Participant phenotype was not available at the time of variant classification. Additional details can be found in publication PMID: 35346344, PMCID: PMC8962531